The following is an entry in ClinVar:

NM_198880.3(QRICH1):c.1807G>C (p.Val603Leu)

Gene: QRICH1 (glutamine rich 1; minus strand). Cytogenetic location: 3p21.31.
Variant type: single nucleotide variant.
Coding change: c.1807G>C on transcript NM_198880.3 (MANE Select); coding-DNA position 1807, G replaced by C.
Protein change: p.Val603Leu; replaces valine 603 with leucine.
Molecular consequence: missense variant.
Genome position (GRCh38, 1-based): chr3:49,033,208, C>G on the plus strand (G>C on the coding strand, the complement: QRICH1 is on the minus strand). VCF-style: chr3-49033208-C-G. GRCh37 (hg19) VCF-style: chr3-49070641-C-G.
Other names: c.1807G>C, p.Val603Leu (NM_001320580.2, NM_001320581.2, NM_001320582.2 and 4 more transcripts); short protein forms V603L.
Identifiers: ClinVar variation 2579413 (VCV002579413.1), dbSNP rs2093252866, ClinGen allele CA352754415.

ClinVar aggregate classification (germline): Uncertain significance (1 of 4 stars; one submission).

Submission:

GeneDx
Classification: Uncertain significance. Last evaluated: 2023-02-22. Review status: criteria provided, single submitter. Criteria: GeneDx Variant Classification Process June 2021. Collection method: clinical testing. Allele origin: germline. Affected: yes.
Comment: Not observed at significant frequency in large population cohorts (gnomAD); In silico analysis supports that this missense variant does not alter protein structure/function; Has not been previously published as pathogenic or benign to our knowledge; Same amino acid substitution caused by a different nucleotide change (c.1807G>T) has been reported in the published literature (Kumble et al., 2021)